The following is an entry in ClinVar:

NM_000565.4(IL6R):c.205T>C (p.Ser69Pro)

Gene: IL6R (interleukin 6 receptor; plus strand). Cytogenetic location: 1q21.3.
Variant type: single nucleotide variant.
Coding change: c.205T>C on transcript NM_000565.4 (MANE Select); coding-DNA position 205, T replaced by C.
Protein change: p.Ser69Pro; replaces serine 69 with proline.
Molecular consequence: missense variant. On other transcripts: intron variant (1).
Genome position (GRCh38, 1-based): chr1:154,429,315, T>C. VCF-style: chr1-154429315-T-C. GRCh37 (hg19) VCF-style: chr1-154401791-T-C.
Other names: c.205T>C, p.Ser69Pro (NM_001206866.2, NM_001382769.1, NM_001382770.1 and 4 more transcripts); c.126+79T>C (NM_001382774.1); short protein forms S69P.
Identifiers: ClinVar variation 2179460 (VCV002179460.2), dbSNP rs773375947, ClinGen allele CA1128939.

ClinVar aggregate classification (germline): Uncertain significance (1 of 4 stars; one submission).

Allele frequency attached by ClinVar (database versions not stated): TOPMed below 0.00001; gnomAD 0.00001; gnomAD exomes 0.00002; ExAC 0.00004.
gnomAD v4.1: 26 of 1,613,830 alleles (0.0016%); highest among the groups gnomAD compares: South Asian, 0.026%; no homozygotes.

Submission:

Labcorp Genetics (formerly Invitae), Labcorp
Classification: Uncertain significance. Last evaluated: 2023-10-05. Review status: criteria provided, single submitter. Criteria: Invitae Variant Classification Sherloc (09022015). Collection method: clinical testing. Allele origin: germline.
Comment: This sequence change replaces serine, which is neutral and polar, with proline, which is neutral and non-polar, at codon 69 of the IL6R protein (p.Ser69Pro). This variant is present in population databases (rs773375947, gnomAD 0.04%). This variant has not been reported in the literature in individuals affected with IL6R-related conditions. ClinVar contains an entry for this variant (Variation ID: 2179460). Algorithms developed to predict the effect of missense changes on protein structure and function output the following: SIFT: "Not Available"; PolyPhen-2: "Benign"; Align-GVGD: "Not Available". The proline amino acid residue is found in multiple mammalian species, which suggests that this missense change does not adversely affect protein function. In summary, the available evidence is currently insufficient to determine the role of this variant in disease. Therefore, it has been classified as a Variant of Uncertain Significance.